The following is an entry in ClinVar:

ClinVar aggregate classification (germline): Uncertain significance. Review status: criteria provided, multiple submitters, no conflicts (2 of 4 stars). 2 submissions from 2 submitters: Uncertain significance (2). Last evaluated 2025-12-15.

Conditions:
Inborn genetic diseases. Identifiers: MedGen C0950123, MeSH D030342.

Allele frequency attached by ClinVar (database versions not stated): ExAC 0.00004; gnomAD 0.00006 and 0.00008; TOPMed 0.00007; ESP Exome Variant Server 0.00008.
gnomAD v4.1: 147 of 1,613,342 alleles (0.0091%); highest among the groups gnomAD compares: Admixed American, 0.012%; no homozygotes.

Submissions (2):

Ambry Genetics
Classification: Uncertain significance for Inborn genetic diseases. Last evaluated: 2025-12-15. Review status: criteria provided, single submitter. Criteria: Ambry Variant Classification Scheme 2023. Collection method: clinical testing. Allele origin: germline.

Labcorp Genetics (formerly Invitae), Labcorp
Classification: Uncertain significance. Last evaluated: 2021-11-06. Review status: criteria provided, single submitter. Criteria: Invitae Variant Classification Sherloc (09022015). Collection method: clinical testing. Allele origin: germline.
Comment: This sequence change replaces valine, which is neutral and non-polar, with isoleucine, which is neutral and non-polar, at codon 1649 of the LTBP2 protein (p.Val1649Ile). This variant is present in population databases (rs368669086, gnomAD 0.006%). This variant has not been reported in the literature in individuals affected with LTBP2-related conditions. Algorithms developed to predict the effect of missense changes on protein structure and function output the following: SIFT: "Tolerated"; PolyPhen-2: "Benign"; Align-GVGD: "Class C0". The isoleucine amino acid residue is found in multiple mammalian species, which suggests that this missense change does not adversely affect protein function. In summary, the available evidence is currently insufficient to determine the role of this variant in disease. Therefore, it has been classified as a Variant of Uncertain Significance.

NM_000428.3(LTBP2):c.4945G>A (p.Val1649Ile)

Gene: LTBP2 (latent transforming growth factor beta binding protein 2; minus strand). Cytogenetic location: 14q24.3.
Variant type: single nucleotide variant.
Coding change: c.4945G>A on transcript NM_000428.3 (MANE Select); coding-DNA position 4945, G replaced by A.
Protein change: p.Val1649Ile; replaces valine 1649 with isoleucine.
Molecular consequence: missense variant.
Genome position (GRCh38, 1-based): chr14:74,502,878, C>T on the plus strand (G>A on the coding strand, the complement: LTBP2 is on the minus strand). VCF-style: chr14-74502878-C-T. GRCh37 (hg19) VCF-style: chr14-74969581-C-T.
Other names: c.4945G>A (NM_000428.2); short protein forms V1649I.
Identifiers: ClinVar variation 1490083 (VCV001490083.5), dbSNP rs368669086, ClinGen allele CA7268571.